The following is an entry in ClinVar:

NM_014806.5(RUSC2):c.1750G>T (p.Gly584Trp)

Gene: RUSC2 (RUN and SH3 domain containing 2; plus strand). Cytogenetic location: 9p13.3.
Variant type: single nucleotide variant.
Coding change: c.1750G>T on transcript NM_014806.5 (MANE Select); coding-DNA position 1750, G replaced by T.
Protein change: p.Gly584Trp; replaces glycine 584 with tryptophan.
Molecular consequence: missense variant. On other transcripts: intron variant (1).
Genome position (GRCh38, 1-based): chr9:35,548,271, G>T. VCF-style: chr9-35548271-G-T. GRCh37 (hg19) VCF-style: chr9-35548268-G-T.
Other names: c.1750G>T, p.Gly584Trp (NM_001135999.2); c.-620-6789G>T (NM_001330740.2); c.1750G>T (NM_001135999.1); short protein forms G584W.
Identifiers: ClinVar variation 1944216 (VCV001944216.4), dbSNP rs149821388, ClinGen allele CA5043722.
Genomic context (GRCh38, chr9:35,548,271, plus strand): 5'-GTGAGTGTTGGGGACTCCTCCCAGGAGTTCTCACCCATCCAAGAAGCCCAGCAAGATCGG[G>T]GGGCCCCACTGGATGAGGGCACTTGCTGTAGCCATAGCCTGCCACCCATGCCTTTGGGGC-3'
Protein context (NP_055621.2, residues 574-594): SPIQEAQQDR[Gly584Trp]APLDEGTCCS

ClinVar aggregate classification (germline): Uncertain significance. Review status: criteria provided, multiple submitters, no conflicts (2 of 4 stars). 2 submissions from 2 submitters: Uncertain significance (2). Last evaluated 2025-05-21.

Allele frequency attached by ClinVar (database versions not stated): ExAC 0.00001; gnomAD 0.00003; TOPMed 0.00006; gnomAD exomes 0.00001; ESP Exome Variant Server 0.00015.
gnomAD v4.1: 16 of 1,613,790 alleles (0.00099%); highest among the groups gnomAD compares: African/African-American, 0.02%; no homozygotes.

Submissions (2):

Ambry Genetics
Classification: Uncertain significance. Last evaluated: 2025-05-21. Review status: criteria provided, single submitter. Criteria: Ambry Variant Classification Scheme 2023. Collection method: clinical testing. Allele origin: germline.

Labcorp Genetics (formerly Invitae), Labcorp
Classification: Uncertain significance. Last evaluated: 2024-01-29. Review status: criteria provided, single submitter. Criteria: Invitae Variant Classification Sherloc (09022015). Collection method: clinical testing. Allele origin: germline.
Comment: This sequence change replaces glycine, which is neutral and non-polar, with tryptophan, which is neutral and slightly polar, at codon 584 of the RUSC2 protein (p.Gly584Trp). This variant is present in population databases (rs149821388, gnomAD 0.02%). This variant has not been reported in the literature in individuals affected with RUSC2-related conditions. ClinVar contains an entry for this variant (Variation ID: 1944216). An algorithm developed to predict the effect of missense changes on protein structure and function (PolyPhen-2) suggests that this variant is likely to be disruptive. In summary, the available evidence is currently insufficient to determine the role of this variant in disease. Therefore, it has been classified as a Variant of Uncertain Significance.